The following is an entry in ClinVar:

ClinVar aggregate classification (germline): Uncertain significance (1 of 4 stars; one submission).

Conditions:
Pterin-4 alpha-carbinolamine dehydratase 1 deficiency. Also called: Hyperphenylalaninemia due to dehydratase deficiency; CADH DEFICIENCY; HYPERPHENYLALANINEMIA WITH PRIMAPTERINURIA; HYPERPHENYLALANINEMIA, TETRAHYDROBIOPTERIN-DEFICIENT, DUE TO PTERIN-4-ALPHA-CARBINOLAMINE DEHYDRATASE DEFICIENCY. Identifiers: Orphanet 1578, Orphanet 238583, MedGen C1849700, MONDO:0009908, OMIM 264070.

Allele frequency attached by ClinVar (database versions not stated): TOPMed below 0.00001; gnomAD 0.00001.

Submission:

Labcorp Genetics (formerly Invitae), Labcorp
Classification: Uncertain significance for Pterin-4 alpha-carbinolamine dehydratase 1 deficiency. Last evaluated: 2022-02-19. Review status: criteria provided, single submitter. Criteria: Invitae Variant Classification Sherloc (09022015). Collection method: clinical testing. Allele origin: germline.
Comment: This variant is not present in population databases (gnomAD no frequency). This sequence change replaces methionine, which is neutral and non-polar, with lysine, which is basic and polar, at codon 103 of the PCBD1 protein (p.Met103Lys). This variant has not been reported in the literature in individuals affected with PCBD1-related conditions. In summary, the available evidence is currently insufficient to determine the role of this variant in disease. Therefore, it has been classified as a Variant of Uncertain Significance. Algorithms developed to predict the effect of missense changes on protein structure and function are either unavailable or do not agree on the potential impact of this missense change (SIFT: "Deleterious"; PolyPhen-2: "Benign"; Align-GVGD: "Class C0").

NM_000281.4(PCBD1):c.308T>A (p.Met103Lys)

Gene: PCBD1 (pterin-4 alpha-carbinolamine dehydratase 1; minus strand). Cytogenetic location: 10q22.1.
Variant type: single nucleotide variant.
Coding change: c.308T>A on transcript NM_000281.4 (MANE Select); coding-DNA position 308, T replaced by A.
Protein change: p.Met103Lys; replaces methionine 103 with lysine.
Molecular consequence: missense variant. On other transcripts: intron variant (1).
Genome position (GRCh38, 1-based): chr10:70,883,957, A>T on the plus strand (T>A on the coding strand, the complement: PCBD1 is on the minus strand). VCF-style: chr10-70883957-A-T. GRCh37 (hg19) VCF-style: chr10-72643714-A-T.
Other names: c.161T>A, p.Met54Lys (NM_001289797.2); c.216+1195T>A (NM_001323004.2); short protein forms M54K, M103K.
Identifiers: ClinVar variation 2099511 (VCV002099511.4), dbSNP rs1441839896, ClinGen allele CA377127152.